The following is an entry in ClinVar:

ClinVar aggregate classification (germline): Likely benign. Review status: criteria provided, single submitter (1 of 4 stars). 2 submissions from 2 submitters: Likely benign (1). 1 of the submissions does not count toward it. Last evaluated 2025-10-16.

Conditions:
MKS1-related disorder. Also called: MKS1-related condition; MKS1-related disorders. Identifiers: MedGen CN239382.
Joubert syndrome. Also called: JOUBERT-BOLTSHAUSER SYNDROME; Familial aplasia of the vermis. Identifiers: Orphanet 475, MedGen C5979921, MONDO:0018772.
Meckel-Gruber syndrome. Also called: Dysencephalia splachnocystica; DYSENCEPHALIA SPLANCHNOCYSTICA; GRUBER SYNDROME. Identifiers: Orphanet 564, MedGen C0265215, MONDO:0018921.

Allele frequency attached by ClinVar (database versions not stated): gnomAD 0.00001; gnomAD exomes 0.00002; TOPMed 0.00002; ExAC 0.00005.

Submissions (2):

Labcorp Genetics (formerly Invitae), Labcorp
Classification: Likely benign for Joubert syndrome; Meckel-Gruber syndrome. Last evaluated: 2025-10-16. Review status: criteria provided, single submitter. Criteria: Invitae Variant Classification Sherloc (09022015). Collection method: clinical testing. Allele origin: germline.

PreventionGenetics, part of Exact Sciences
Classification: Likely benign for MKS1-related condition. Last evaluated: 2021-08-26. Review status: no assertion criteria provided. Collection method: clinical testing. Allele origin: germline. Not counted in ClinVar's aggregate classification.
Comment: This variant is classified as likely benign based on ACMG/AMP sequence variant interpretation guidelines (Richards et al. 2015 PMID: 25741868, with internal and published modifications).

NM_017777.4(MKS1):c.411G>A (p.Leu137=)

Gene: MKS1 (MKS transition zone complex subunit 1; minus strand). Cytogenetic location: 17q22.
Variant type: single nucleotide variant.
Coding change: c.411G>A on transcript NM_017777.4 (MANE Select); coding-DNA position 411, G replaced by A.
Protein change: p.Leu137=; no amino-acid change (leucine 137 retained).
Molecular consequence: synonymous variant. On other transcripts: 5 prime UTR variant (1).
Genome position (GRCh38, 1-based): chr17:58,216,094, C>T on the plus strand (G>A on the coding strand, the complement: MKS1 is on the minus strand). VCF-style: chr17-58216094-C-T. GRCh37 (hg19) VCF-style: chr17-56293455-C-T.
Other names: c.-101G>A (NM_001321268.2); c.411G>A, p.Leu137= (NM_001321269.2, NM_001330397.2, NM_001411113.1).
Identifiers: ClinVar variation 1960765 (VCV001960765.7), dbSNP rs770948877, ClinGen allele CA8669548.